The following is an entry in ClinVar:

ClinVar aggregate classification (germline): Uncertain significance. Review status: criteria provided, multiple submitters, no conflicts (2 of 4 stars). 3 submissions from 3 submitters: Uncertain significance (3). Last evaluated 2025-08-03.

Conditions:
Hereditary cancer-predisposing syndrome. Also called: Neoplastic Syndromes, Hereditary; Hereditary Cancer Syndrome; Tumor predisposition; Hereditary neoplastic syndrome. Identifiers: Orphanet 140162, MedGen C0027672, MeSH D009386, MONDO:0015356.
Ataxia-telangiectasia syndrome (AT). Also called: LOUIS-BAR SYNDROME; Cerebello-oculocutaneous telangiectasia; Immunodeficiency with ataxia telangiectasia; Ataxia-telangiectasia, complementation group D; AT, COMPLEMENTATION GROUP C; Ataxia-telangiectasia, complementation group E. Identifiers: Orphanet 100, MedGen C0004135, MONDO:0008840, OMIM 208900.

Allele frequency attached by ClinVar (database versions not stated): gnomAD exomes below 0.00001.
gnomAD v4.1: 2 of 1,614,220 alleles (0.00012%); highest among the groups gnomAD compares: Non-Finnish European, 0.00017%; no homozygotes.

Submissions (3):

Labcorp Genetics (formerly Invitae), Labcorp
Classification: Uncertain significance for Ataxia-telangiectasia syndrome. Last evaluated: 2025-08-03. Review status: criteria provided, single submitter. Criteria: Invitae Variant Classification Sherloc (09022015). Collection method: clinical testing. Allele origin: germline.
Comment: This sequence change replaces aspartic acid, which is acidic and polar, with valine, which is neutral and non-polar, at codon 2999 of the ATM protein (p.Asp2999Val). This variant is not present in population databases (gnomAD no frequency). This variant has not been reported in the literature in individuals affected with ATM-related conditions. ClinVar contains an entry for this variant (Variation ID: 453758). Invitae Evidence Modeling of protein sequence and biophysical properties (such as structural, functional, and spatial information, amino acid conservation, physicochemical variation, residue mobility, and thermodynamic stability) indicates that this missense variant is not expected to disrupt ATM protein function with a negative predictive value of 95%. In summary, the available evidence is currently insufficient to determine the role of this variant in disease. Therefore, it has been classified as a Variant of Uncertain Significance.

Ambry Genetics
Classification: Uncertain significance for Hereditary cancer-predisposing syndrome. Last evaluated: 2024-03-22. Review status: criteria provided, single submitter. Criteria: Ambry Variant Classification Scheme 2023. Collection method: clinical testing. Allele origin: germline.
Comment: The p.D2999V variant (also known as c.8996A>T), located in coding exon 62 of the ATM gene, results from an A to T substitution at nucleotide position 8996. The aspartic acid at codon 2999 is replaced by valine, an amino acid with highly dissimilar properties. This amino acid position is well conserved in available vertebrate species. In addition, this alteration is predicted to be tolerated by in silico analysis. Since supporting evidence is limited at this time, the clinical significance of this alteration remains unclear.

Color Diagnostics, LLC DBA Color Health
Classification: Uncertain significance for Hereditary cancer-predisposing syndrome. Last evaluated: 2023-05-11. Review status: criteria provided, single submitter. Criteria: ACMG Guidelines, 2015. Collection method: clinical testing. Allele origin: germline.
Comment: This missense variant replaces aspartic acid with valine at codon 2999 of the ATM protein. Computational prediction suggests that this variant may not impact protein structure and function (internally defined REVEL score threshold <= 0.5, PMID: 27666373). To our knowledge, functional studies have not been reported for this variant. This variant has not been reported in individuals affected with ATM-related disorders in the literature. This variant has not been identified in the general population by the Genome Aggregation Database (gnomAD). The available evidence is insufficient to determine the role of this variant in disease conclusively. Therefore, this variant is classified as a Variant of Uncertain Significance.

NM_000051.4(ATM):c.8996A>T (p.Asp2999Val)

Genes: ATM (ATM serine/threonine kinase; plus strand), C11orf65 (chromosome 11 open reading frame 65; minus strand). Cytogenetic location: 11q22.3.
Variant type: single nucleotide variant.
Coding change: c.8996A>T on transcript NM_000051.4 (MANE Select); coding-DNA position 8996, A replaced by T.
Protein change: p.Asp2999Val; replaces aspartic acid 2999 with valine.
Molecular consequence: missense variant. On other transcripts: intron variant (2).
Genome position (GRCh38, 1-based): chr11:108,365,333, A>T. VCF-style: chr11-108365333-A-T. GRCh37 (hg19) VCF-style: chr11-108236060-A-T.
Other names: c.8996A>T, p.Asp2999Val (NM_001351834.2); c.640+20587T>A (NM_001330368.2); c.694+20587T>A (NM_001351110.2); short protein forms D2999V.
Identifiers: ClinVar variation 453758 (VCV000453758.17), dbSNP rs1555151684, ClinGen allele CA382530812.